The following is an entry in ClinVar:

NM_000069.3(CACNA1S):c.1094G>T (p.Gly365Val)

Gene: CACNA1S (calcium voltage-gated channel subunit alpha1 S; minus strand). Cytogenetic location: 1q32.1.
Variant type: single nucleotide variant.
Coding change: c.1094G>T on transcript NM_000069.3 (MANE Select); coding-DNA position 1094, G replaced by T.
Protein change: p.Gly365Val; replaces glycine 365 with valine.
Molecular consequence: missense variant.
Genome position (GRCh38, 1-based): chr1:201,085,492, C>A on the plus strand (G>T on the coding strand, the complement: CACNA1S is on the minus strand). VCF-style: chr1-201085492-C-A. GRCh37 (hg19) VCF-style: chr1-201054620-C-A.
Other names: short protein forms G365V.
Identifiers: ClinVar variation 4757726 (VCV004757726.1).

ClinVar aggregate classification (germline): Uncertain significance (1 of 4 stars; one submission).

Conditions:
Malignant hyperthermia, susceptibility to, 5 (MHS5). Also called: CACNA1S-Related Malignant Hyperthermia Susceptibility. Identifiers: Orphanet 423, MedGen C1866077, MONDO:0011163, OMIM 601887.

Submission:

Color Diagnostics, LLC DBA Color Health
Classification: Uncertain significance for Malignant hyperthermia, susceptibility to, 5. Last evaluated: 2025-08-07. Review status: criteria provided, single submitter. Criteria: ACMG Guidelines, 2015. Collection method: clinical testing. Allele origin: germline.
Comment: This missense variant replaces glycine with valine at codon 365 of the CACNA1S protein. Computational prediction suggests that this variant may have deleterious impact on protein structure and function. To our knowledge, functional studies have not been reported for this variant. This variant has not been reported in individuals affected with CACNA1S-related disorders in the literature. This variant has not been identified in the general population by the Genome Aggregation Database (gnomAD). The available evidence is insufficient to determine the role of this variant in disease conclusively. Therefore, this variant is classified as a Variant of Uncertain Significance.